The following is an entry in ClinVar:

NM_152443.3(RDH12):c.229G>T (p.Glu77Ter)

Genes: RDH12 (retinol dehydrogenase 12; plus strand), GPHN (gephyrin; plus strand). Cytogenetic location: 14q24.1.
Variant type: single nucleotide variant.
Coding change: c.229G>T on transcript NM_152443.3 (MANE Select); coding-DNA position 229, G replaced by T.
Protein change: p.Glu77Ter; replaces glutamic acid 77 with a stop codon.
Molecular consequence: nonsense.
Genome position (GRCh38, 1-based): chr14:67,725,140, G>T. VCF-style: chr14-67725140-G-T. GRCh37 (hg19) VCF-style: chr14-68191857-G-T.
Other names: c.229G>T (NM_152443.2); short protein forms E77*.
Identifiers: ClinVar variation 2736117 (VCV002736117.7), dbSNP rs2038170208, ClinGen allele CA390148563.

ClinVar aggregate classification (germline): Pathogenic/Likely pathogenic. Review status: criteria provided, multiple submitters, no conflicts (2 of 4 stars). 4 submissions from 4 submitters: Pathogenic (3); Likely pathogenic (1). Last evaluated 2025-11-04.

Conditions:
Leber congenital amaurosis (LCA). Also called: Leber's amaurosis. Identifiers: Orphanet 65, MedGen C0339527, MeSH D057130, MONDO:0018998.
Leber congenital amaurosis 13 (LCA13). Identifiers: MedGen C2675186, MONDO:0012990, OMIM 612712.

Submissions (4):

GeneDx
Classification: Pathogenic. Last evaluated: 2025-11-04. Review status: criteria provided, single submitter. Criteria: GeneDx Variant Classification Process June 2021. Collection method: clinical testing. Allele origin: germline. Affected: yes.
Comment: Reported in association with Leber congenital amaurosis in published literature (PMID: 17964524); patient clinical information not provided; Nonsense variant predicted to result in protein truncation or nonsense mediated decay in a gene for which loss of function is a known mechanism of disease; Not observed at significant frequency in large population cohorts (gnomAD); This variant is associated with the following publications: (PMID: 25525159, 17964524)

Natera, Inc.
Classification: Likely pathogenic for Leber congenital amaurosis. Last evaluated: 2024-06-11. Review status: criteria provided, single submitter. Criteria: Natera Variant Classification Schema (03/2026). Collection method: clinical testing. Allele origin: germline.
Comment: The c.229G>T variant in RDH12 is a nonsense variant predicted to introduce a stop codon at amino acid 77. This variant is expected to result in nonsense mediated decay, truncation, or a dysfunctional protein product. This variant is rare in the general population with a frequency below the threshold expected for the associated phenotype(s). Given the available evidence, this variant is classified as Likely Pathogenic.

Baylor Genetics
Classification: Pathogenic for Leber congenital amaurosis 13. Last evaluated: 2024-03-25. Review status: criteria provided, single submitter. Criteria: ACMG Guidelines, 2015. Collection method: clinical testing. Allele origin: unknown.

Labcorp Genetics (formerly Invitae), Labcorp
Classification: Pathogenic for Leber congenital amaurosis 13. Last evaluated: 2023-04-14. Review status: criteria provided, single submitter. Criteria: Invitae Variant Classification Sherloc (09022015). Collection method: clinical testing. Allele origin: germline.
Comment: For these reasons, this variant has been classified as Pathogenic. This sequence change creates a premature translational stop signal (p.Glu77*) in the RDH12 gene. It is expected to result in an absent or disrupted protein product. Loss-of-function variants in RDH12 are known to be pathogenic (PMID: 17964524, 22065924, 32014858, 34001834). This variant is not present in population databases (gnomAD no frequency). This premature translational stop signal has been observed in individual(s) with Leber congenital amaurosis (PMID: 17964524).

Literature cited by the submitters: PubMed 17964524 (cited by Labcorp Genetics (formerly Invitae), Labcorp); PubMed 22065924 (cited by Labcorp Genetics (formerly Invitae), Labcorp); PubMed 32014858 (cited by Labcorp Genetics (formerly Invitae), Labcorp); PubMed 34001834 (cited by Labcorp Genetics (formerly Invitae), Labcorp).